The following is an entry in ClinVar:

ClinVar aggregate classification (germline): Likely benign (0 of 4 stars; one submission).

Conditions:
KDM2B-related disorder. Also called: KDM2B-related condition.

gnomAD v4.1: 7 of 1,517,888 alleles (0.00046%); highest among the groups gnomAD compares: African/African-American, 0.0042%; no homozygotes.

Submission:

PreventionGenetics, part of Exact Sciences
Classification: Likely benign for KDM2B-related condition. Last evaluated: 2024-03-14. Review status: no assertion criteria provided. Collection method: clinical testing. Allele origin: germline.
Comment: This variant is classified as likely benign based on ACMG/AMP sequence variant interpretation guidelines (Richards et al. 2015 PMID: 25741868, with internal and published modifications).

NM_032590.5(KDM2B):c.2605-9C>T

Gene: KDM2B (lysine demethylase 2B; minus strand). Cytogenetic location: 12q24.31.
Variant type: single nucleotide variant.
Coding change: c.2605-9C>T on transcript NM_032590.5 (MANE Select); 9 bases into the intron before coding-DNA position 2605, C replaced by T.
Molecular consequence: intron variant.
Genome position (GRCh38, 1-based): chr12:121,442,845, G>A on the plus strand (C>T on the coding strand, the complement: KDM2B is on the minus strand). VCF-style: chr12-121442845-G-A. GRCh37 (hg19) VCF-style: chr12-121880648-G-A.
Other names: c.2398-9C>T (NM_001005366.2).
Identifiers: ClinVar variation 3351268 (VCV003351268.1).